The following is an entry in ClinVar:

ClinVar aggregate classification (germline): Uncertain significance (1 of 4 stars; one submission).

Submission:

Labcorp Genetics (formerly Invitae), Labcorp
Classification: Uncertain significance. Last evaluated: 2024-11-18. Review status: criteria provided, single submitter. Criteria: Invitae Variant Classification Sherloc (09022015). Collection method: clinical testing. Allele origin: germline.
Comment: This sequence change replaces valine, which is neutral and non-polar, with phenylalanine, which is neutral and non-polar, at codon 91 of the LEMD3 protein (p.Val91Phe). This variant is not present in population databases (gnomAD no frequency). This variant has not been reported in the literature in individuals affected with LEMD3-related conditions. An algorithm developed to predict the effect of missense changes on protein structure and function (PolyPhen-2) suggests that this variant is likely to be tolerated. In summary, the available evidence is currently insufficient to determine the role of this variant in disease. Therefore, it has been classified as a Variant of Uncertain Significance.

NM_014319.5(LEMD3):c.271G>T (p.Val91Phe)

Gene: LEMD3 (LEM domain containing 3; plus strand). Cytogenetic location: 12q14.3.
Variant type: single nucleotide variant.
Coding change: c.271G>T on transcript NM_014319.5 (MANE Select); coding-DNA position 271, G replaced by T.
Protein change: p.Val91Phe; replaces valine 91 with phenylalanine.
Molecular consequence: missense variant.
Genome position (GRCh38, 1-based): chr12:65,169,867, G>T. VCF-style: chr12-65169867-G-T. GRCh37 (hg19) VCF-style: chr12-65563647-G-T.
Other names: c.271G>T, p.Val91Phe (NM_001167614.2); short protein forms V91F.
Identifiers: ClinVar variation 3683225 (VCV003683225.2).
Genomic context (GRCh38, chr12:65,169,867, plus strand): 5'-ACGGCAGCCGCCACGGTCGCAGCCGCGGGACCAGCGGCGGCGGCGGCCGCGGGGATGGGG[G>T]TCCGGCCGGTCTCGGGCGACCTCTCCTACTTACGGACTCCTGGGGGCCTGTGCCGAATCT-3'
Protein context (NP_055134.2, residues 81-101): PAAAAAAGMG[Val91Phe]RPVSGDLSYL